The following is an entry in ClinVar:

ClinVar aggregate classification (germline): Uncertain significance (1 of 4 stars; one submission).

Conditions:
Christianson syndrome (MRXSCH). Also called: SLC9A6-Related Syndromic Mental Retardation; X-linked mental retardation, syndromic, Christianson type; INTELLECTUAL DEVELOPMENTAL DISORDER, X-LINKED, SYNDROMIC, CHRISTIANSON TYPE. Identifiers: Orphanet 85278, MedGen C2678194, MONDO:0010278, OMIM 300243.

Submission:

Dasa
Classification: Uncertain significance for Christianson syndrome. Last evaluated: 2025-09-25. Review status: criteria provided, single submitter. Criteria: DASA Assertion Criteria. Collection method: clinical testing. Allele origin: germline.
Comment: NM_001379110.1(SLC9A6):c.334del (p.Leu112Serfs*36) is a frameshift variant in SLC9A6 predicted to alter the reading frame and introduce a premature termination codon. This variant is absent from population databases. The currently available literature and clinical evidence are not sufficient to establish a definitive association between this variant and the reported condition. Therefore, this variant is classified as a variant of uncertain significance.

NM_001379110.1(SLC9A6):c.334del (p.Leu112fs)

Gene: SLC9A6 (solute carrier family 9 member A6; plus strand). Cytogenetic location: Xq26.3.
Variant type: Deletion.
Coding change: c.334del on transcript NM_001379110.1 (MANE Select); coding-DNA position 334, one base deleted (C; older notation c.334delC).
Protein change: p.Leu112fs; shifts the reading frame from leucine 112.
Molecular consequence: frameshift variant. On other transcripts: intron variant (3).
Genome position (GRCh38, 1-based): chrX:135,994,950, C deleted. VCF-style (leftmost placement, unchanged base first): chrX-135994949-AC-A. GRCh37 (hg19) VCF-style: chrX-135077108-AC-A.
Other names: c.334del, p.Leu112fs (NM_001400909.1, NM_001400910.1, NM_001400911.1 and 2 more transcripts); c.490del, p.Leu164fs (NM_001438742.1, NM_001042537.2); c.429+61del (NM_006359.3); c.273+61del (NM_001400913.1, NM_001330652.2); short protein forms L112fs, L164fs.
Identifiers: ClinVar variation 4883894 (VCV004883894.2).
Genomic context (GRCh38, chrX:135,994,949, plus strand): 5'-GGTAAATGTTAGTGGAAAATTTTATGAGTATATGCTGAAAGGAGAGATTAGTTCACATGA[AC>A]TCAATAATGTTCAAGATAATGAAATGCTTAGAAAGGTAAGTTCTTAAAGGAAATCTTTGA-3'